The following is an entry in ClinVar:

NM_000494.4(COL17A1):c.2468dup (p.Gly824fs)

Gene: COL17A1 (collagen type XVII alpha 1 chain; minus strand). Cytogenetic location: 10q25.1.
Variant type: Duplication.
Coding change: c.2468dup on transcript NM_000494.4 (MANE Select); coding-DNA position 2468, one base duplicated (C; older notation c.2468dupC).
Protein change: p.Gly824fs; shifts the reading frame from glycine 824.
Molecular consequence: frameshift variant.
Genome position (GRCh38, 1-based): chr10:104,043,548, G duplicated on the plus strand (C on the coding strand, the reverse complement: COL17A1 is on the minus strand); the first of 6 consecutive G bases (chr10:104,043,548-104,043,553); duplicating any one gives the same sequence. VCF-style (leftmost placement, unchanged base first): chr10-104043547-T-TG. GRCh37 (hg19) VCF-style: chr10-105803305-T-TG.
Other names: short protein forms G824fs.
Identifiers: ClinVar variation 2702036 (VCV002702036.3), dbSNP rs2493307221, ClinGen allele CA2610798564.

ClinVar aggregate classification (germline): Pathogenic (1 of 4 stars; one submission).

Submission:

Labcorp Genetics (formerly Invitae), Labcorp
Classification: Pathogenic. Last evaluated: 2023-12-10. Review status: criteria provided, single submitter. Criteria: Invitae Variant Classification Sherloc (09022015). Collection method: clinical testing. Allele origin: germline.
Comment: This sequence change creates a premature translational stop signal (p.Gly824Argfs*31) in the COL17A1 gene. It is expected to result in an absent or disrupted protein product. Loss-of-function variants in COL17A1 are known to be pathogenic (PMID: 16473856, 17344927, 20301304, 21357940, 24319098). This variant is not present in population databases (gnomAD no frequency). This variant has not been reported in the literature in individuals affected with COL17A1-related conditions. For these reasons, this variant has been classified as Pathogenic.

Literature cited by the submitters: PubMed 16473856; PubMed 17344927; PubMed 20301304; PubMed 21357940; PubMed 24319098.